The following is an entry in ClinVar:

ClinVar aggregate classification (germline): Uncertain significance. Review status: reviewed by expert panel (3 of 4 stars). 5 submissions from 5 submitters: Uncertain significance (1). 4 of the submissions do not count toward it. Last evaluated 2024-05-02.

Conditions:
ITGA2B-related disorder. Also called: ITGA2B-related condition; ITGA2B-related disorders.
Glanzmann thrombasthenia. Also called: Glanzmann's thrombasthenia; Thrombasthenia; THROMBASTHENIA OF GLANZMANN AND NAEGELI; PLATELET GLYCOPROTEIN IIb-IIIa DEFICIENCY. Identifiers: Orphanet 849, MedGen C0040015, MONDO:0100326.

Allele frequency attached by ClinVar (database versions not stated): gnomAD exomes 0.00014 and 0.00030; ExAC 0.00018; TOPMed 0.00030; gnomAD 0.00031 and 0.00032; ESP Exome Variant Server 0.00054; 1000 Genomes Project 0.00060; 1000 Genomes Project 30x 0.00062.
gnomAD v4.1: 475 of 1,613,966 alleles (0.029%); highest among the groups gnomAD compares: Non-Finnish European, 0.036%; no homozygotes.

Submissions (6):

ClinGen Platelet Disorders Variant Curation Expert Panel, ClinGen
Classification: Uncertain significance for Glanzmann thrombasthenia. Last evaluated: 2024-05-02. Review status: reviewed by expert panel. Criteria: ClinGen Platelet ACMG Specifications v2-1. Collection method: curation. Allele origin: germline. Inheritance: Autosomal recessive inheritance.
Comment: The NM_000419.4(ITGA2B):c.1821G>A variant that results in p.Thr607= has been identified in 2 individuals with macrothrombocytopenia through molecular testing. No published evidence is available for this variant at present. This variant is classified as a variant of uncertain significance for GT. GT-specific criteria applied: NA.

PreventionGenetics, part of Exact Sciences
Classification: Uncertain significance for ITGA2B-related condition. Last evaluated: 2026-06-26. Review status: criteria provided, single submitter. Criteria: ACMG Guidelines, 2015. Collection method: clinical testing. Allele origin: germline. Not counted in ClinVar's aggregate classification.
Comment: The ITGA2B c.1821G>A variant is not predicted to result in an amino acid change (p.=). This variant is predicted to alter splicing based on available splicing prediction programs (SpliceAI, Jaganathan et al. 2019. PubMed ID: 30661751). However, the use of computer prediction programs is not equivalent to functional evidence. To our knowledge, this variant has not been reported in the literature. This variant is reported in 0.032% of alleles in individuals of African descent in gnomAD. At this time, the clinical significance of this variant is uncertain due to the absence of conclusive functional and genetic evidence.

Labcorp Genetics (formerly Invitae), Labcorp
Classification: Likely benign for Glanzmann thrombasthenia. Last evaluated: 2025-11-25. Review status: criteria provided, single submitter. Criteria: Invitae Variant Classification Sherloc (09022015). Collection method: clinical testing. Allele origin: germline. Not counted in ClinVar's aggregate classification.

Blueprint Genetics
Classification: Uncertain significance. Last evaluated: 2024-11-25. Review status: criteria provided, single submitter. Criteria: ACMG Guidelines, 2015. Collection method: clinical testing. Allele origin: germline. Not counted in ClinVar's aggregate classification.

Women's Health and Genetics/Laboratory Corporation of America, LabCorp
Classification: Likely benign. Last evaluated: 2024-01-17. Review status: criteria provided, single submitter. Criteria: LabCorp Variant Classification Summary - May 2015. Collection method: clinical testing. Allele origin: germline. Not counted in ClinVar's aggregate classification.

Dr. Peter K. Rogan Lab, Western University
No classification provided (evidence only). Condition: Familial cancer of breast. Review status: no classification provided. Collection method: in vitro. Allele origin: not applicable. Functional consequence: retained intron. Not counted in ClinVar's aggregate classification.

NM_000419.5(ITGA2B):c.1821G>A (p.Thr607=)

Gene: ITGA2B (integrin subunit alpha 2b; minus strand). Cytogenetic location: 17q21.31.
Variant type: single nucleotide variant.
Coding change: c.1821G>A on transcript NM_000419.5 (MANE Select); coding-DNA position 1821, G replaced by A.
Protein change: p.Thr607=; no amino-acid change (threonine 607 retained).
Molecular consequence: synonymous variant.
Genome position (GRCh38, 1-based): chr17:44,379,746, C>T on the plus strand (G>A on the coding strand, the complement: ITGA2B is on the minus strand). VCF-style: chr17-44379746-C-T. GRCh37 (hg19) VCF-style: chr17-42457114-C-T.
Other names: NM_000419.5(ITGA2B):c.1821G>A; p.Thr607=.
Identifiers: ClinVar variation 695458 (VCV000695458.14), dbSNP rs139878415, ClinGen allele CA8602935.
Genomic context (GRCh38, chr17:44,379,746, plus strand): 5'-TACCTGCTCCTGCACATGGGTGTCTCCATGCAGCACGACAGCAGGGGCCATTCCAGCCTC[C>T]GTGGGCGGTAGGGACACATTGAGGCTGAGCACAATGGGGCTCAGCTTGTCCCGGAAGTCT-3'
Protein context (NP_000410.2, residues 597-617): VLSLNVSLPP[Thr607=]EAGMAPAVVL